The following is an entry in ClinVar:

ClinVar aggregate classification (germline): Uncertain significance (1 of 4 stars; one submission).

Allele frequency attached by ClinVar (database versions not stated): ESP Exome Variant Server 0.00008.
gnomAD v4.1: 2 of 1,613,906 alleles (0.00012%); highest among the groups gnomAD compares: Admixed American, 0.0017%; no homozygotes.

Submission:

Labcorp Genetics (formerly Invitae), Labcorp
Classification: Uncertain significance. Last evaluated: 2025-03-17. Review status: criteria provided, single submitter. Criteria: Invitae Variant Classification Sherloc (09022015). Collection method: clinical testing. Allele origin: germline.
Comment: This sequence change replaces threonine, which is neutral and polar, with serine, which is neutral and polar, at codon 2340 of the ACAN protein (p.Thr2340Ser). This variant is not present in population databases (gnomAD no frequency). This variant has not been reported in the literature in individuals affected with ACAN-related conditions. ClinVar contains an entry for this variant (Variation ID: 2867726). An algorithm developed to predict the effect of missense changes on protein structure and function outputs the following: PolyPhen-2: "Benign". The serine amino acid residue is found in multiple mammalian species, which suggests that this missense change does not adversely affect protein function. In summary, the available evidence is currently insufficient to determine the role of this variant in disease. Therefore, it has been classified as a Variant of Uncertain Significance.

NM_001369268.1(ACAN):c.7132A>T (p.Thr2378Ser)

Gene: ACAN (aggrecan; plus strand). Cytogenetic location: 15q26.1.
Variant type: single nucleotide variant.
Coding change: c.7132A>T on transcript NM_001369268.1 (MANE Select); coding-DNA position 7132, A replaced by T.
Protein change: p.Thr2378Ser; replaces threonine 2378 with serine.
Molecular consequence: missense variant.
Genome position (GRCh38, 1-based): chr15:88,871,453, A>T. VCF-style: chr15-88871453-A-T. GRCh37 (hg19) VCF-style: chr15-89414684-A-T.
Other names: c.6904A>T, p.Thr2302Ser (NM_001135.4, NM_001411096.1); c.7018A>T, p.Thr2340Ser (NM_001411097.1, NM_013227.4); short protein forms T2340S, T2302S, T2378S.
Identifiers: ClinVar variation 2867726 (VCV002867726.3), dbSNP rs369624139, ClinGen allele CA274495328.
Genomic context (GRCh38, chr15:88,871,453, plus strand): 5'-TGTGAGGAGGGCTGGAACAAGTACCAGGGCCACTGTTACCGCCACTTCCCGGACCGCGAG[A>T]CCTGGGTGGATGCTGAGCGCCGGTGTCGGGAGCAGCAGTCACACCTGAGCAGCATCGTCA-3'
Protein context (NP_001356197.1, residues 2368-2388): HCYRHFPDRE[Thr2378Ser]WVDAERRCRE